The following is an entry in ClinVar:

ClinVar aggregate classification (germline): Benign/Likely benign. Review status: criteria provided, multiple submitters, no conflicts (2 of 4 stars). 5 submissions from 5 submitters: Benign (2); Likely benign (3). Last evaluated 2026-02-18.

Conditions:
CYP7B1-related disorder. Also called: CYP7B1-related condition.
Hereditary spastic paraplegia. Also called: Familial spastic paraparesis. Identifiers: Orphanet 685, MedGen C0037773, MONDO:0019064. Disease mechanism: loss of function.
Hereditary spastic paraplegia 5A (SPG5A). Also called: SPASTIC PARAPLEGIA 5A, AUTOSOMAL RECESSIVE. Identifiers: Orphanet 100986, MedGen C1849115, MONDO:0010047, OMIM 270800.
Spastic paraplegia. Identifiers: MedGen C0037772, HP:0001258.

Allele frequency attached by ClinVar (database versions not stated): TOPMed 0.00007; 1000 Genomes Project 0.00359; 1000 Genomes Project 30x 0.00375; ExAC 0.01154.
gnomAD v4.1: 1,489 of 1,507,438 alleles (0.099%); highest among the groups gnomAD compares: South Asian, 1.7%; 31 homozygotes.

Submissions (5):

PreventionGenetics, part of Exact Sciences
Classification: Likely benign for CYP7B1-related condition. Last evaluated: 2026-02-18. Review status: criteria provided, single submitter. Criteria: ACMG Guidelines, 2015. Collection method: clinical testing. Allele origin: germline.
Comment: This variant is classified as likely benign based on ACMG/AMP sequence variant interpretation guidelines (Richards et al. 2015 PMID: 25741868, with internal and published modifications).

Labcorp Genetics (formerly Invitae), Labcorp
Classification: Benign for Spastic paraplegia. Last evaluated: 2026-01-26. Review status: criteria provided, single submitter. Criteria: Invitae Variant Classification Sherloc (09022015). Collection method: clinical testing. Allele origin: germline.

Mayo Clinic Laboratories, Mayo Clinic
Classification: Benign. Last evaluated: 2025-05-21. Review status: criteria provided, single submitter. Criteria: ACMG Guidelines, 2015. Collection method: clinical testing. Allele origin: germline. Observed: 1 variant allele.
Comment: BS1, BS2, BP4, BP7

Genome Diagnostics Laboratory, The Hospital for Sick Children
Classification: Likely benign for Hereditary spastic paraplegia. Last evaluated: 2018-05-03. Review status: criteria provided, single submitter. Criteria: ACMG Guidelines, 2015. Collection method: clinical testing. Allele origin: germline. Affected: yes.

Illumina Laboratory Services, Illumina
Classification: Likely benign for Hereditary spastic paraplegia 5A. Last evaluated: 2018-01-12. Review status: criteria provided, single submitter. Criteria: ICSL Variant Classification Criteria 13 December 2019. Collection method: clinical testing. Allele origin: germline.
Comment: This variant was observed in the ICSL laboratory as part of a predisposition screen in an ostensibly healthy population. It had not been previously curated by ICSL or reported in the Human Gene Mutation Database (HGMD: prior to June 1st, 2018), and was therefore a candidate for classification through an automated scoring system. Utilizing variant allele frequency, disease prevalence and penetrance estimates, and inheritance mode, an automated score was calculated to assess if this variant is too frequent to cause the disease. Based on the score and internal cut-off values, a variant classified as likely benign is not then subjected to further curation. The score for this variant resulted in a classification of likely benign for this disease.

NM_004820.5(CYP7B1):c.75C>A (p.Ala25=)

Gene: CYP7B1 (cytochrome P450 family 7 subfamily B member 1; minus strand). Cytogenetic location: 8q12.3.
Variant type: single nucleotide variant.
Coding change: c.75C>A on transcript NM_004820.5 (MANE Select); coding-DNA position 75, C replaced by A.
Protein change: p.Ala25=; no amino-acid change (alanine 25 retained).
Molecular consequence: synonymous variant.
Genome position (GRCh38, 1-based): chr8:64,798,513, G>T on the plus strand (C>A on the coding strand, the complement: CYP7B1 is on the minus strand). VCF-style: chr8-64798513-G-T. GRCh37 (hg19) VCF-style: chr8-65711070-G-T.
Other names: p.Ala25=; c.75C>A, p.Ala25= (NM_001324112.2).
Identifiers: ClinVar variation 911348 (VCV000911348.17), dbSNP rs536629832, ClinGen allele CA4764309.